The following is an entry in ClinVar:

ClinVar aggregate classification (germline): Uncertain significance (1 of 4 stars; one submission).

Conditions:
Inborn genetic diseases. Identifiers: MedGen C0950123, MeSH D030342.

Submission:

Ambry Genetics
Classification: Uncertain significance for Inborn genetic diseases. Last evaluated: 2023-09-17. Review status: criteria provided, single submitter. Criteria: Ambry Variant Classification Scheme 2023. Collection method: clinical testing. Allele origin: germline.
Comment: The p.K906T variant (also known as c.2717A>C), located in coding exon 21 of the LRRK2 gene, results from an A to C substitution at nucleotide position 2717. The lysine at codon 906 is replaced by threonine, an amino acid with similar properties. This amino acid position is conserved. In addition, this alteration is predicted to be tolerated by in silico analysis. Since supporting evidence is limited at this time, the clinical significance of this alteration remains unclear.

NM_198578.4(LRRK2):c.2717A>C (p.Lys906Thr)

Gene: LRRK2 (leucine rich repeat kinase 2; plus strand). Cytogenetic location: 12q12.
Variant type: single nucleotide variant.
Coding change: c.2717A>C on transcript NM_198578.4 (MANE Select); coding-DNA position 2717, A replaced by C.
Protein change: p.Lys906Thr; replaces lysine 906 with threonine.
Molecular consequence: missense variant.
Genome position (GRCh38, 1-based): chr12:40,293,572, A>C. VCF-style: chr12-40293572-A-C. GRCh37 (hg19) VCF-style: chr12-40687374-A-C.
Other names: short protein forms K906T.
Identifiers: ClinVar variation 3229572 (VCV003229572.1), dbSNP rs2136706284, ClinGen allele CA384410706.